The following is an entry in ClinVar:

ClinVar aggregate classification (germline): Likely benign (1 of 4 stars; one submission).

Allele frequency attached by ClinVar (database versions not stated): gnomAD 0.00002; TOPMed 0.00002; ExAC 0.00003.
gnomAD v4.1: 60 of 1,613,672 alleles (0.0037%); highest among the groups gnomAD compares: South Asian, 0.012%; no homozygotes.

Submission:

CeGaT Center for Human Genetics Tuebingen
Classification: Likely benign. Last evaluated: 2023-06-01. Review status: criteria provided, single submitter. Criteria: CeGaT Center For Human Genetics Tuebingen Variant Classification Criteria Version 2. Collection method: clinical testing. Allele origin: germline. Affected: yes. Observed: 1 variant allele.
Comment: STRA6: BP4, BP7

NM_022369.4(STRA6):c.147C>T (p.Pro49=)

Gene: STRA6 (signaling receptor and transporter of retinol STRA6; minus strand). Cytogenetic location: 15q24.1.
Variant type: single nucleotide variant.
Coding change: c.147C>T on transcript NM_022369.4 (MANE Select); coding-DNA position 147, C replaced by T.
Protein change: p.Pro49=; no amino-acid change (proline 49 retained).
Molecular consequence: synonymous variant.
Genome position (GRCh38, 1-based): chr15:74,197,785, G>A on the plus strand (C>T on the coding strand, the complement: STRA6 is on the minus strand). VCF-style: chr15-74197785-G-A. GRCh37 (hg19) VCF-style: chr15-74490126-G-A.
Other names: c.147C>T, p.Pro49= (NM_001142617.2, NM_001142618.2, NM_001142619.2 and 1 more transcripts); c.258C>T, p.Pro86= (NM_001199040.2); c.192C>T, p.Pro64= (NM_001199041.2); c.264C>T, p.Pro88= (NM_001199042.2).
Identifiers: ClinVar variation 2645536 (VCV002645536.24), dbSNP rs765454493, ClinGen allele CA7655088.